The following is an entry in ClinVar:

ClinVar aggregate classification (germline): Likely benign. Review status: criteria provided, multiple submitters, no conflicts (2 of 4 stars). 3 submissions from 3 submitters: Likely benign (3). Last evaluated 2026-02-02.

Conditions:
SACS-related disorder. Also called: SACS-related condition.
Spastic paraplegia. Identifiers: MedGen C0037772, HP:0001258.

Allele frequency attached by ClinVar (database versions not stated): TOPMed 0.00006; gnomAD exomes 0.00010 and 0.00011; gnomAD 0.00011 and 0.00012; ESP Exome Variant Server 0.00015.
gnomAD v4.1: 162 of 1,613,592 alleles (0.01%); highest among the groups gnomAD compares: Non-Finnish European, 0.012%; no homozygotes.

Submissions (3):

Labcorp Genetics (formerly Invitae), Labcorp
Classification: Likely benign for Spastic paraplegia. Last evaluated: 2026-02-02. Review status: criteria provided, single submitter. Criteria: Invitae Variant Classification Sherloc (09022015). Collection method: clinical testing. Allele origin: germline.

PreventionGenetics, part of Exact Sciences
Classification: Likely benign for SACS-related condition. Last evaluated: 2026-01-27. Review status: criteria provided, single submitter. Criteria: ACMG Guidelines, 2015. Collection method: clinical testing. Allele origin: germline.
Comment: This variant is classified as likely benign based on ACMG/AMP sequence variant interpretation guidelines (Richards et al. 2015 PMID: 25741868, with internal and published modifications).

CeGaT Center for Human Genetics Tuebingen
Classification: Likely benign. Last evaluated: 2025-10-01. Review status: criteria provided, single submitter. Criteria: CeGaT Center For Human Genetics Tuebingen Variant Classification Criteria Version 2. Collection method: clinical testing. Allele origin: germline. Affected: yes. Observed: 2 variant alleles.
Comment: SACS: BP4, BP7

NM_014363.6(SACS):c.3414T>C (p.Asn1138=)

Gene: SACS (sacsin molecular chaperone; minus strand). Cytogenetic location: 13q12.12.
Variant type: single nucleotide variant.
Coding change: c.3414T>C on transcript NM_014363.6 (MANE Select); coding-DNA position 3414, T replaced by C.
Protein change: p.Asn1138=; no amino-acid change (asparagine 1138 retained).
Molecular consequence: synonymous variant.
Genome position (GRCh38, 1-based): chr13:23,340,462, A>G on the plus strand (T>C on the coding strand, the complement: SACS is on the minus strand). VCF-style: chr13-23340462-A-G. GRCh37 (hg19) VCF-style: chr13-23914601-A-G.
Other names: c.2973T>C, p.Asn991= (NM_001278055.2).
Identifiers: ClinVar variation 416831 (VCV000416831.30), dbSNP rs146431793, ClinGen allele CA6911528.